The following is an entry in ClinVar:

ClinVar aggregate classification (germline): Uncertain significance (1 of 4 stars; one submission).

Allele frequency attached by ClinVar (database versions not stated): TOPMed 0.00003; gnomAD exomes 0.00002; gnomAD 0.00004; ExAC 0.00001.
gnomAD v4.1: 32 of 1,613,970 alleles (0.002%); highest among the groups gnomAD compares: Admixed American, 0.013%; no homozygotes.

Submission:

Labcorp Genetics (formerly Invitae), Labcorp
Classification: Uncertain significance. Last evaluated: 2025-05-08. Review status: criteria provided, single submitter. Criteria: Invitae Variant Classification Sherloc (09022015). Collection method: clinical testing. Allele origin: germline.
Comment: This sequence change replaces glycine, which is neutral and non-polar, with arginine, which is basic and polar, at codon 1095 of the DSCAML1 protein (p.Gly1095Arg). This variant is present in population databases (rs754400983, gnomAD 0.009%). This variant has not been reported in the literature in individuals affected with DSCAML1-related conditions. ClinVar contains an entry for this variant (Variation ID: 2779320). An algorithm developed to predict the effect of missense changes on protein structure and function (PolyPhen-2) suggests that this variant is likely to be disruptive. In summary, the available evidence is currently insufficient to determine the role of this variant in disease. Therefore, it has been classified as a Variant of Uncertain Significance.

NM_020693.4(DSCAML1):c.3103G>A (p.Gly1035Arg)

Gene: DSCAML1 (DS cell adhesion molecule like 1; minus strand). Cytogenetic location: 11q23.3.
Variant type: single nucleotide variant.
Coding change: c.3103G>A on transcript NM_020693.4 (MANE Select); coding-DNA position 3103, G replaced by A.
Protein change: p.Gly1035Arg; replaces glycine 1035 with arginine.
Molecular consequence: missense variant.
Genome position (GRCh38, 1-based): chr11:117,465,104, C>T on the plus strand (G>A on the coding strand, the complement: DSCAML1 is on the minus strand). VCF-style: chr11-117465104-C-T. GRCh37 (hg19) VCF-style: chr11-117335820-C-T.
Other names: short protein forms G1035R.
Identifiers: ClinVar variation 2779320 (VCV002779320.3), dbSNP rs754400983, ClinGen allele CA6296793.